The following is an entry in ClinVar:

ClinVar aggregate classification (germline): Conflicting classifications of pathogenicity. Review status: criteria provided, conflicting classifications (1 of 4 stars). 5 submissions from 4 submitters: Uncertain significance (1); Benign (2); Likely benign (2). Last evaluated 2026-01-13.

Conditions:
Retinitis pigmentosa (RP). Identifiers: Orphanet 791, MedGen C0035334, MeSH D012174, MONDO:0019200, OMIM 268000. Inheritance: Autosomal dominant, autosomal recessive and X linked inheritance.
Congenital stationary night blindness autosomal dominant 2. Also called: NIGHT BLINDNESS, CONGENITAL STATIONARY, RAMBUSCH TYPE. Identifiers: Orphanet 215, MedGen C1876182, MONDO:0008099, OMIM 163500.

Allele frequency attached by ClinVar (database versions not stated): ESP Exome Variant Server 0.00046; gnomAD 0.00048 and 0.00056; TOPMed 0.00051; ExAC 0.00067; gnomAD exomes 0.00067; 1000 Genomes Project 0.00100; 1000 Genomes Project 30x 0.00109.
gnomAD v4.1: 1,112 of 1,612,850 alleles (0.069%); highest among the groups gnomAD compares: South Asian, 0.15%; 2 homozygotes.

Submissions (5):

Labcorp Genetics (formerly Invitae), Labcorp
Classification: Likely benign. Last evaluated: 2026-01-13. Review status: criteria provided, single submitter. Criteria: Invitae Variant Classification Sherloc (09022015). Collection method: clinical testing. Allele origin: germline.

Blueprint Genetics
Classification: Likely benign. Last evaluated: 2024-11-20. Review status: criteria provided, single submitter. Criteria: ACMG Guidelines, 2015. Collection method: clinical testing. Allele origin: germline.

Illumina Laboratory Services, Illumina
Classification: Uncertain significance for Retinitis pigmentosa. Last evaluated: 2018-01-13. Review status: criteria provided, single submitter. Criteria: ICSL Variant Classification Criteria 13 December 2019. Collection method: clinical testing. Allele origin: germline.

Illumina Laboratory Services, Illumina
Classification: Benign for Congenital stationary night blindness autosomal dominant 2. Last evaluated: 2018-01-13. Review status: criteria provided, single submitter. Criteria: ICSL Variant Classification Criteria 13 December 2019. Collection method: clinical testing. Allele origin: germline.
Comment: This variant was observed in the ICSL laboratory as part of a predisposition screen in an ostensibly healthy population. It had not been previously curated by ICSL or reported in the Human Gene Mutation Database (HGMD: prior to June 1st, 2018), and was therefore a candidate for classification through an automated scoring system. Utilizing variant allele frequency, disease prevalence and penetrance estimates, and inheritance mode, an automated score was calculated to assess if this variant is too frequent to cause the disease. Based on the score and internal cut-off values, a variant classified as benign is not then subjected to further curation. The score for this variant resulted in a classification of benign for this disease.

GeneDx
Classification: Benign. Last evaluated: 2015-03-03. Review status: criteria provided, single submitter. Criteria: GeneDx Variant Classification Process June 2021. Collection method: clinical testing. Allele origin: germline. Affected: yes.

NM_000283.4(PDE6B):c.1296C>T (p.Thr432=)

Gene: PDE6B (phosphodiesterase 6B; plus strand). Cytogenetic location: 4p16.3.
Variant type: single nucleotide variant.
Coding change: c.1296C>T on transcript NM_000283.4 (MANE Select); coding-DNA position 1296, C replaced by T.
Protein change: p.Thr432=; no amino-acid change (threonine 432 retained).
Molecular consequence: synonymous variant.
Genome position (GRCh38, 1-based): chr4:657,389, C>T. VCF-style: chr4-657389-C-T. GRCh37 (hg19) VCF-style: chr4-651178-C-T.
Other names: c.1296C>T, p.Thr432= (NM_001145291.2); c.459C>T, p.Thr153= (NM_001145292.2, NM_001350154.3, NM_001379246.1 and 1 more transcripts); c.141C>T, p.Thr47= (NM_001350155.3).
Identifiers: ClinVar variation 349374 (VCV000349374.19), dbSNP rs114100439, ClinGen allele CA2794443.